The following is an entry in ClinVar:

ClinVar aggregate classification (germline): Benign. Review status: criteria provided, multiple submitters, no conflicts (2 of 4 stars). 2 submissions from 2 submitters: Benign (2). Last evaluated 2018-01-12.

Conditions:
Hyperprolinemia type 2 (HYRPRO2). Also called: 1-PYRROLINE-5-CARBOXYLATE DEHYDROGENASE DEFICIENCY; Deficiency of pyrroline-5-carboxylate reductase; Delta-1-pyrroline-5-carboxylate dehydrogenase deficiency. Identifiers: Orphanet 79101, MedGen C2931835, MONDO:0009401, OMIM 239510.

Allele frequency attached by ClinVar (database versions not stated): 1000 Genomes Project 0.19349; 1000 Genomes Project 30x 0.19628; gnomAD 0.24236 and 0.25087; gnomAD exomes 0.24490; TOPMed 0.25479.
gnomAD v4.1: 38,285 of 152,162 alleles (25%); highest among the groups gnomAD compares: Middle Eastern, 31%; 4,967 homozygotes.

Submissions (2):

Illumina Laboratory Services, Illumina
Classification: Benign for Hyperprolinemia type 2. Last evaluated: 2018-01-12. Review status: criteria provided, single submitter. Criteria: ICSL Variant Classification Criteria 13 December 2019. Collection method: clinical testing. Allele origin: germline.
Comment: This variant was observed in the ICSL laboratory as part of a predisposition screen in an ostensibly healthy population. It had not been previously curated by ICSL or reported in the Human Gene Mutation Database (HGMD: prior to June 1st, 2018), and was therefore a candidate for classification through an automated scoring system. Utilizing variant allele frequency, disease prevalence and penetrance estimates, and inheritance mode, an automated score was calculated to assess if this variant is too frequent to cause the disease. Based on the score and internal cut-off values, a variant classified as benign is not then subjected to further curation. The score for this variant resulted in a classification of benign for this disease.

Breakthrough Genomics
Classification: Benign. Review status: criteria provided, single submitter. Criteria: ACMG Guidelines, 2015. Collection method: not provided. Allele origin: germline. Inheritance: Autosomal recessive inheritance. Affected: yes.

NM_003748.4(ALDH4A1):c.*925C>T

Gene: ALDH4A1 (aldehyde dehydrogenase 4 family member A1; minus strand). Cytogenetic location: 1p36.13.
Variant type: single nucleotide variant.
Coding change: c.*925C>T on transcript NM_003748.4 (MANE Select); 925 bases downstream of the stop codon, C replaced by T.
Molecular consequence: 3 prime UTR variant. On other transcripts: intron variant (1).
Genome position (GRCh38, 1-based): chr1:18,871,920, G>A on the plus strand (C>T on the coding strand, the complement: ALDH4A1 is on the minus strand). VCF-style: chr1-18871920-G-A. GRCh37 (hg19) VCF-style: chr1-19198414-G-A.
Other names: c.*925C>T (NM_001161504.2, NM_001319218.2); c.*42-130C>T (NM_170726.3).
Identifiers: ClinVar variation 294341 (VCV000294341.6), dbSNP rs1140477, ClinGen allele CA10608595.
Genomic context (GRCh38, chr1:18,871,920, plus strand): 5'-CACAGAGCCACTCCCAGGCAGAGGAGGATTCTACAGGCAACGTCCTCGGCCCATGCTGAC[G>A]AACCCAAGGCCAGGCCTCTGGGGGCTGGGAGAAGGGAGGGCCAATGTCTGCCTTGGCCTG-3'